The following is an entry in ClinVar:

ClinVar aggregate classification (germline): Uncertain significance (1 of 4 stars; one submission).

gnomAD v4.1: 3 of 1,613,822 alleles (0.00019%); highest among the groups gnomAD compares: Admixed American, 0.0017%; no homozygotes.

Submission:

Dasa
Classification: Uncertain significance. Last evaluated: 2025-06-13. Review status: criteria provided, single submitter. Criteria: DASA Assertion Criteria. Collection method: clinical testing. Allele origin: germline.
Comment: NM_001170629.2(CHD8):c.4309C>T (p.Arg1437Cys) is a missense variant that results in the substitution of arginine with cysteine. This variant is rare in population databases. The currently available literature and clinical evidence are not sufficient to establish a definitive association between this variant and the reported condition. Therefore, this variant is classified as a variant of uncertain significance.

NM_001170629.2(CHD8):c.4309C>T (p.Arg1437Cys)

Gene: CHD8 (chromodomain helicase DNA binding protein 8; minus strand). Cytogenetic location: 14q11.2.
Variant type: single nucleotide variant.
Coding change: c.4309C>T on transcript NM_001170629.2 (MANE Select); coding-DNA position 4309, C replaced by T.
Protein change: p.Arg1437Cys; replaces arginine 1437 with cysteine.
Molecular consequence: missense variant.
Genome position (GRCh38, 1-based): chr14:21,400,936, G>A on the plus strand (C>T on the coding strand, the complement: CHD8 is on the minus strand). VCF-style: chr14-21400936-G-A. GRCh37 (hg19) VCF-style: chr14-21869095-G-A.
Other names: c.3472C>T, p.Arg1158Cys (NM_020920.4); short protein forms R1158C, R1437C.
Identifiers: ClinVar variation 4885841 (VCV004885841.2).